The following is an entry in ClinVar:

ClinVar aggregate classification (germline): Benign/Likely benign. Review status: criteria provided, multiple submitters, no conflicts (2 of 4 stars). 3 submissions from 3 submitters: Benign (1); Likely benign (2). Last evaluated 2026-09-01.

Allele frequency attached by ClinVar (database versions not stated): TOPMed 0.00063; gnomAD 0.00068 and 0.00070; gnomAD exomes 0.00077 and 0.00108; ExAC 0.00108; 1000 Genomes Project 30x 0.00031.
gnomAD v4.1: 1,643 of 1,589,986 alleles (0.1%); highest among the groups gnomAD compares: East Asian, 0.6%; 4 homozygotes.

Submissions (3):

CeGaT Center for Human Genetics Tuebingen
Classification: Likely benign. Last evaluated: 2026-09-01. Review status: criteria provided, single submitter. Criteria: CeGaT Center For Human Genetics Tuebingen Variant Classification Criteria Version 2. Collection method: clinical testing. Allele origin: germline. Affected: yes. Observed: 14 variant alleles.
Comment: KMT2B: BP4, BP7

Labcorp Genetics (formerly Invitae), Labcorp
Classification: Likely benign. Last evaluated: 2026-01-14. Review status: criteria provided, single submitter. Criteria: Invitae Variant Classification Sherloc (09022015). Collection method: clinical testing. Allele origin: germline.

Blueprint Genetics
Classification: Benign. Last evaluated: 2024-11-14. Review status: criteria provided, single submitter. Criteria: ACMG Guidelines, 2015. Collection method: clinical testing. Allele origin: germline.

NM_014727.3(KMT2B):c.6558C>T (p.Pro2186=)

Gene: KMT2B (lysine methyltransferase 2B; plus strand). Cytogenetic location: 19q13.12.
Variant type: single nucleotide variant.
Coding change: c.6558C>T on transcript NM_014727.3 (MANE Select); coding-DNA position 6558, C replaced by T.
Protein change: p.Pro2186=; no amino-acid change (proline 2186 retained).
Molecular consequence: synonymous variant.
Genome position (GRCh38, 1-based): chr19:35,733,107, C>T. VCF-style: chr19-35733107-C-T. GRCh37 (hg19) VCF-style: chr19-36224008-C-T.
Identifiers: ClinVar variation 738452 (VCV000738452.49), dbSNP rs777573810, ClinGen allele CA9385720.
Genomic context (GRCh38, chr19:35,733,107, plus strand): 5'-CCCAGGGGCCCCAGGGGTCCGGGTGTTAAGCCTTGGCCCTGCCCCTGAGCCCCCCAAACC[C>T]GCCACATCCAAAATCATACTTGTCAACAAGCTGGGGCAAGTATTTGTGAAGATGGCTGGG-3'
Protein context (NP_055542.1, residues 2176-2196): SLGPAPEPPK[Pro2186=]ATSKIILVNK